The following is an entry in ClinVar:

NM_201384.3(PLEC):c.12754T>C (p.Ser4252Pro)

Gene: PLEC (plectin; minus strand). Cytogenetic location: 8q24.3.
Variant type: single nucleotide variant.
Coding change: c.12754T>C on transcript NM_201384.3 (MANE Select); coding-DNA position 12754, T replaced by C.
Protein change: p.Ser4252Pro; replaces serine 4252 with proline.
Molecular consequence: missense variant.
Genome position (GRCh38, 1-based): chr8:143,917,067, A>G on the plus strand (T>C on the coding strand, the complement: PLEC is on the minus strand). VCF-style: chr8-143917067-A-G. GRCh37 (hg19) VCF-style: chr8-144991235-A-G.
Other names: c.12835T>C, p.Ser4279Pro (NM_000445.5); c.12712T>C, p.Ser4238Pro (NM_201378.4); c.12688T>C, p.Ser4230Pro (NM_201379.3); c.13165T>C, p.Ser4389Pro (NM_201380.4); c.12658T>C, p.Ser4220Pro (NM_201381.3); c.12754T>C, p.Ser4252Pro (NM_201382.4); c.12766T>C, p.Ser4256Pro (NM_201383.3); short protein forms S4238P, S4279P, S4256P, S4230P, S4252P, S4389P, S4220P.
Identifiers: ClinVar variation 965136 (VCV000965136.10), dbSNP rs1820807870, ClinGen allele CA372479105.

ClinVar aggregate classification (germline): Uncertain significance (1 of 4 stars; one submission).

Conditions:
Epidermolysis bullosa simplex 5B, with muscular dystrophy (EBS5B). Also called: Epidermolysis bullosa simplex with muscular dystrophy; EPIDERMOLYSIS BULLOSA SIMPLEX AND LIMB-GIRDLE MUSCULAR DYSTROPHY. Identifiers: Orphanet 257, MedGen C2931072, MONDO:0009181, OMIM 226670.
Autosomal recessive limb-girdle muscular dystrophy type 2Q (LGMDR17). Also called: MUSCULAR DYSTROPHY, LIMB-GIRDLE, AUTOSOMAL RECESSIVE 17. Identifiers: Orphanet 254361, MedGen C3150989, MONDO:0013390, OMIM 613723.
Epidermolysis bullosa simplex with nail dystrophy (EBS5D). Identifiers: MedGen C4225309, MONDO:0014661, OMIM 616487.
Epidermolysis bullosa simplex 5C, with pyloric atresia (EBS5C). Also called: PLEC-Related Epidermolysis Bullosa with Pyloric Atresia; Epidermolysis bullosa simplex with pyloric atresia; PLEC1-Related Epidermolysis Bullosa with Pyloric Atresia. Identifiers: Orphanet 158684, MedGen C2677349, MONDO:0012807, OMIM 612138.
Epidermolysis bullosa simplex, Ogna type (EBS5A). Also called: Pidermolysis bullosa simplex 5A, Ogna type; EPIDERMOLYSIS BULLOSA SIMPLEX 5A, OGNA TYPE. Identifiers: Orphanet 79401, MedGen C0432317, MONDO:0007555, OMIM 131950.

Submission:

Labcorp Genetics (formerly Invitae), Labcorp
Classification: Uncertain significance for Autosomal recessive limb-girdle muscular dystrophy type 2Q; Epidermolysis bullosa simplex, Ogna type; Epidermolysis bullosa simplex with nail dystrophy; Epidermolysis bullosa simplex 5C, with pyloric atresia; Epidermolysis bullosa simplex 5B, with muscular dystrophy. Last evaluated: 2019-10-31. Review status: criteria provided, single submitter. Criteria: Invitae Variant Classification Sherloc (09022015). Collection method: clinical testing. Allele origin: germline.
Comment: In summary, the available evidence is currently insufficient to determine the role of this variant in disease. Therefore, it has been classified as a Variant of Uncertain Significance. Algorithms developed to predict the effect of missense changes on protein structure and function (SIFT, PolyPhen-2, Align-GVGD) all suggest that this variant is likely to be disruptive, but these predictions have not been confirmed by published functional studies and their clinical significance is uncertain. This variant has not been reported in the literature in individuals with PLEC-related conditions. This variant is not present in population databases (ExAC no frequency). This sequence change replaces serine with proline at codon 4279 of the PLEC protein (p.Ser4279Pro). The serine residue is highly conserved and there is a moderate physicochemical difference between serine and proline.